The following is an entry in ClinVar:

NM_001128228.3(TPRN):c.354C>A (p.Ile118=)

Genes: TPRN (taperin; minus strand), LOC130003092 (ATAC-STARR-seq lymphoblastoid silent region 20589; plus strand). Cytogenetic location: 9q34.3.
Variant type: single nucleotide variant.
Coding change: c.354C>A on transcript NM_001128228.3 (MANE Select); coding-DNA position 354, C replaced by A.
Protein change: p.Ile118=; no amino-acid change (isoleucine 118 retained).
Molecular consequence: synonymous variant.
Genome position (GRCh38, 1-based): chr9:137,200,358, G>T on the plus strand (C>A on the coding strand, the complement: TPRN is on the minus strand). VCF-style: chr9-137200358-G-T. GRCh37 (hg19) VCF-style: chr9-140094810-G-T.
Other names: c.354C>A (NM_001128228.2).
Identifiers: ClinVar variation 2891192 (VCV002891192.5), dbSNP rs1331270134, ClinGen allele CA467926510.
Genomic context (GRCh38, chr9:137,200,358, plus strand): 5'-CTCCAGTAGGCGGCTGACGCGGCCGGGCGGCGCCCCGTACACCAGCACCTCGGCGGCGCG[G>T]ATCTGCGCGGCCCCCGGGGCGGGCGGCGCGGGCGGGAAGCCGGGCACCGTCTCGATGATG-3'
Protein context (NP_001121700.2, residues 108-128): PAPPAPGAAQ[Ile118=]RAAEVLVYGA

ClinVar aggregate classification (germline): Conflicting classifications of pathogenicity. Review status: criteria provided, conflicting classifications (1 of 4 stars). 2 submissions from 2 submitters: Uncertain significance (1); Likely benign (1). Last evaluated 2025-07-10.

Allele frequency attached by ClinVar (database versions not stated): TOPMed 0.00008; gnomAD 0.00007.

Submissions (2):

GeneDx
Classification: Uncertain significance. Last evaluated: 2025-07-10. Review status: criteria provided, single submitter. Criteria: GeneDx Variant Classification Process June 2021. Collection method: clinical testing. Allele origin: germline.
Comment: In silico analysis suggests that this variant does not alter splicing; Has not been previously published as pathogenic or benign to our knowledge

Labcorp Genetics (formerly Invitae), Labcorp
Classification: Likely benign. Last evaluated: 2024-09-09. Review status: criteria provided, single submitter. Criteria: Invitae Variant Classification Sherloc (09022015). Collection method: clinical testing. Allele origin: germline.